The following is an entry in ClinVar:

ClinVar aggregate classification (germline): Uncertain significance (1 of 4 stars; one submission).

gnomAD v4.1: 8 of 1,614,164 alleles (0.0005%); highest among the groups gnomAD compares: Admixed American, 0.005%; no homozygotes.

Submission:

Labcorp Genetics (formerly Invitae), Labcorp
Classification: Uncertain significance. Last evaluated: 2024-11-13. Review status: criteria provided, single submitter. Criteria: Invitae Variant Classification Sherloc (09022015). Collection method: clinical testing. Allele origin: germline.
Comment: This sequence change replaces valine, which is neutral and non-polar, with methionine, which is neutral and non-polar, at codon 407 of the RHOBTB2 protein (p.Val407Met). This variant is present in population databases (rs768821582, gnomAD 0.009%). This variant has not been reported in the literature in individuals affected with RHOBTB2-related conditions. Invitae Evidence Modeling of protein sequence and biophysical properties (such as structural, functional, and spatial information, amino acid conservation, physicochemical variation, residue mobility, and thermodynamic stability) indicates that this missense variant is not expected to disrupt RHOBTB2 protein function with a negative predictive value of 80%. In summary, the available evidence is currently insufficient to determine the role of this variant in disease. Therefore, it has been classified as a Variant of Uncertain Significance.

NM_015178.3(RHOBTB2):c.1153G>A (p.Val385Met)

Gene: RHOBTB2 (Rho related BTB domain containing 2; plus strand). Cytogenetic location: 8p21.3.
Variant type: single nucleotide variant.
Coding change: c.1153G>A on transcript NM_015178.3 (MANE Select); coding-DNA position 1153, G replaced by A.
Protein change: p.Val385Met; replaces valine 385 with methionine.
Molecular consequence: missense variant.
Genome position (GRCh38, 1-based): chr8:23,007,398, G>A. VCF-style: chr8-23007398-G-A. GRCh37 (hg19) VCF-style: chr8-22864911-G-A.
Other names: c.1219G>A, p.Val407Met (NM_001160036.2); c.1174G>A, p.Val392Met (NM_001160037.2); c.1153G>A, p.Val385Met (NM_001374791.1); short protein forms V385M, V392M, V407M.
Identifiers: ClinVar variation 3618069 (VCV003618069.2).